The following is an entry in ClinVar:

NM_004655.4(AXIN2):c.554A>G (p.Asn185Ser)

Gene: AXIN2 (axin 2; minus strand). Cytogenetic location: 17q24.1.
Variant type: single nucleotide variant.
Coding change: c.554A>G on transcript NM_004655.4 (MANE Select); coding-DNA position 554, A replaced by G.
Protein change: p.Asn185Ser; replaces asparagine 185 with serine.
Molecular consequence: missense variant.
Genome position (GRCh38, 1-based): chr17:65,558,067, T>C on the plus strand (A>G on the coding strand, the complement: AXIN2 is on the minus strand). VCF-style: chr17-65558067-T-C. GRCh37 (hg19) VCF-style: chr17-63554185-T-C.
Other names: c.554A>G, p.Asn185Ser (NM_001363813.1); short protein forms N185S.
Identifiers: ClinVar variation 2566104 (VCV002566104.2), dbSNP rs2544249601, ClinGen allele CA400680909.

ClinVar aggregate classification (germline): Uncertain significance (1 of 4 stars; one submission).

Conditions:
Hereditary cancer-predisposing syndrome. Also called: Neoplastic Syndromes, Hereditary; Hereditary Cancer Syndrome; Hereditary neoplastic syndrome; Tumor predisposition. Identifiers: Orphanet 140162, MedGen C0027672, MeSH D009386, MONDO:0015356.

Submission:

Ambry Genetics
Classification: Uncertain significance for Hereditary cancer-predisposing syndrome. Last evaluated: 2023-03-17. Review status: criteria provided, single submitter. Criteria: Ambry Variant Classification Scheme 2023. Collection method: clinical testing. Allele origin: germline.
Comment: The p.N185S variant (also known as c.554A>G), located in coding exon 1 of the AXIN2 gene, results from an A to G substitution at nucleotide position 554. The asparagine at codon 185 is replaced by serine, an amino acid with highly similar properties. This amino acid position is conserved. In addition, this alteration is predicted to be tolerated by in silico analysis. Since supporting evidence is limited at this time, the clinical significance of this alteration remains unclear.